The following is an entry in ClinVar:

NM_020207.7(ERCC6L2):c.1702A>G (p.Lys568Glu)

Gene: ERCC6L2 (ERCC excision repair 6 like 2; plus strand). Cytogenetic location: 9q22.32.
Variant type: single nucleotide variant.
Coding change: c.1702A>G on transcript NM_020207.7 (MANE Select); coding-DNA position 1702, A replaced by G.
Protein change: p.Lys568Glu; replaces lysine 568 with glutamic acid.
Molecular consequence: missense variant. On other transcripts: non-coding transcript variant (1).
Genome position (GRCh38, 1-based): chr9:95,928,815, A>G. VCF-style: chr9-95928815-A-G. GRCh37 (hg19) VCF-style: chr9-98691097-A-G.
Other names: c.1702A>G, p.Lys568Glu (NM_001010895.4, NM_001375291.1, NM_001375292.1 and 2 more transcripts); short protein forms K568E.
Identifiers: ClinVar variation 3510014 (VCV003510014.1).

ClinVar aggregate classification (germline): Uncertain significance (1 of 4 stars; one submission).

Conditions:
Inborn genetic diseases. Identifiers: MedGen C0950123, MeSH D030342.

Submission:

Ambry Genetics
Classification: Uncertain significance for Inborn genetic diseases. Last evaluated: 2024-12-04. Review status: criteria provided, single submitter. Criteria: Ambry Variant Classification Scheme 2023. Collection method: clinical testing. Allele origin: germline.
Comment: The p.K568E variant (also known as c.1702A>G), located in coding exon 11 of the ERCC6L2 gene, results from an A to G substitution at nucleotide position 1702. The lysine at codon 568 is replaced by glutamic acid, an amino acid with similar properties. This amino acid position is conserved. In addition, the in silico prediction for this alteration is inconclusive. Based on the available evidence, the clinical significance of this variant remains unclear.